The following is an entry in ClinVar:

NM_006361.6(HOXB13):c.533_534delinsAT (p.Trp178Tyr)

Gene: HOXB13 (homeobox B13; minus strand). Cytogenetic location: 17q21.32.
Variant type: Indel.
Coding change: c.533_534delinsAT on transcript NM_006361.6 (MANE Select); coding-DNA positions 533 to 534, GG replaced by AT.
Protein change: p.Trp178Tyr; replaces tryptophan 178 with tyrosine.
Molecular consequence: missense variant.
Genome position (GRCh38, 1-based): chr17:48,728,060-48,728,061, CC replaced by AT on the plus strand (GG replaced by AT on the coding strand, the reverse complement: HOXB13 is on the minus strand). VCF-style: chr17-48728060-CC-AT. GRCh37 (hg19) VCF-style: chr17-46805422-CC-AT.
Other names: short protein forms W178Y.
Identifiers: ClinVar variation 4761887 (VCV004761887.1).
Genomic context (GRCh38, chr17:48,728,060, plus strand): 5'-TGCTGCCTTCCAAAAGGGACCTGGTGGGTTCTGTTCTCCCTGGCAACACATCTGGCTGTT[CC>AT]AGCCACCAGCGAGAGCCCAAGACTGGTAACTGTCCACAGGCAACAGGGAGTCATGTCGCG-3'
Protein context (NP_006352.2, residues 168-188): SYQSWALAGG[Trp178Tyr]NSQMCCQGEQ

ClinVar aggregate classification (germline): Uncertain significance (1 of 4 stars; one submission).

Submission:

Labcorp Genetics (formerly Invitae), Labcorp
Classification: Uncertain significance. Last evaluated: 2025-07-11. Review status: criteria provided, single submitter. Criteria: Invitae Variant Classification Sherloc (09022015). Collection method: clinical testing. Allele origin: germline.
Comment: This sequence change replaces tryptophan, which is neutral and slightly polar, with tyrosine, which is neutral and polar, at codon 178 of the HOXB13 protein (p.Trp178Tyr). Information on the frequency of this variant in the gnomAD database is not available, as this variant may be reported differently in the database. This variant has not been reported in the literature in individuals affected with HOXB13-related conditions. An algorithm developed to predict the effect of missense changes on protein structure and function (PolyPhen-2) suggests that this variant is likely to be disruptive. In summary, the available evidence is currently insufficient to determine the role of this variant in disease. Therefore, it has been classified as a Variant of Uncertain Significance.